The following is an entry in ClinVar:

NM_001297.5(CNGB1):c.177C>G (p.Phe59Leu)

Gene: CNGB1 (cyclic nucleotide gated channel subunit beta 1; minus strand). Cytogenetic location: 16q21.
Variant type: single nucleotide variant.
Coding change: c.177C>G on transcript NM_001297.5 (MANE Select); coding-DNA position 177, C replaced by G.
Protein change: p.Phe59Leu; replaces phenylalanine 59 with leucine.
Molecular consequence: missense variant.
Genome position (GRCh38, 1-based): chr16:57,964,527, G>C on the plus strand (C>G on the coding strand, the complement: CNGB1 is on the minus strand). VCF-style: chr16-57964527-G-C. GRCh37 (hg19) VCF-style: chr16-57998431-G-C.
Other names: c.177C>G, p.Phe59Leu (NM_001135639.2, NM_001286130.2); short protein forms F59L.
Identifiers: ClinVar variation 1026467 (VCV001026467.9), dbSNP rs1962342389, ClinGen allele CA396080635.
Genomic context (GRCh38, chr16:57,964,527, plus strand): 5'-GCTTCAGCACTCGCACTCACCCTGAGGGCTTGGGTCTGCCACAGCCACTTCCTCCTCCTT[G>C]AATGACTCTTCGGGGGGCTAGAGGGTTCGAACAGGATCATGTAAGTCCTAGGTGAGACCA-3'
Protein context (NP_001288.3, residues 49-69): ESESMPPEES[Phe59Leu]KEEEVAVADP

ClinVar aggregate classification (germline): Uncertain significance (1 of 4 stars; one submission).

Submission:

Labcorp Genetics (formerly Invitae), Labcorp
Classification: Uncertain significance. Last evaluated: 2020-02-07. Review status: criteria provided, single submitter. Criteria: Invitae Variant Classification Sherloc (09022015). Collection method: clinical testing. Allele origin: germline.
Comment: In summary, the available evidence is currently insufficient to determine the role of this variant in disease. Therefore, it has been classified as a Variant of Uncertain Significance. Algorithms developed to predict the effect of missense changes on protein structure and function output the following: SIFT: "Tolerated"; PolyPhen-2: "Benign"; Align-GVGD: "Class C0". The leucine amino acid residue is found in multiple mammalian species, suggesting that this missense change does not adversely affect protein function. These predictions have not been confirmed by published functional studies and their clinical significance is uncertain. This variant has not been reported in the literature in individuals with CNGB1-related conditions. This variant is not present in population databases (ExAC no frequency). This sequence change replaces phenylalanine with leucine at codon 59 of the CNGB1 protein (p.Phe59Leu). The phenylalanine residue is weakly conserved and there is a small physicochemical difference between phenylalanine and leucine.